The following is an entry in ClinVar:

NM_006618.5(KDM5B):c.1956G>T (p.Gln652His)

Gene: KDM5B (lysine demethylase 5B; minus strand). Cytogenetic location: 1q32.1.
Variant type: single nucleotide variant.
Coding change: c.1956G>T on transcript NM_006618.5 (MANE Select); coding-DNA position 1956, G replaced by T.
Protein change: p.Gln652His; replaces glutamine 652 with histidine.
Molecular consequence: missense variant.
Genome position (GRCh38, 1-based): chr1:202,749,005, C>A on the plus strand (G>T on the coding strand, the complement: KDM5B is on the minus strand). VCF-style: chr1-202749005-C-A. GRCh37 (hg19) VCF-style: chr1-202718133-C-A.
Other names: c.2064G>T, p.Gln688His (NM_001314042.2); c.1821G>T, p.Gln607His (NM_001347591.2); c.1941G>T, p.Gln647His (NM_001399817.1); short protein forms Q607H, Q647H, Q652H, Q688H.
Identifiers: ClinVar variation 4822402 (VCV004822402.4).
Genomic context (GRCh38, chr1:202,749,005, plus strand): 5'-CAATTTACGGACAGTTTCTCTTAAAGCTTTCTCATCCTCAATCATAATGGCCATGTCTTT[C>A]TGAACAGTTGAAGCCACTACAACATCTAATACATCAGCCTTGGAAGCCATCTTGCAGATC-3'
Protein context (NP_006609.3, residues 642-662): VLDVVVASTV[Gln652His]KDMAIMIEDE

ClinVar aggregate classification (germline): Uncertain significance (1 of 4 stars; one submission).

Submission:

CeGaT Center for Human Genetics Tuebingen
Classification: Uncertain significance. Last evaluated: 2026-01-01. Review status: criteria provided, single submitter. Criteria: CeGaT Center For Human Genetics Tuebingen Variant Classification Criteria Version 2. Collection method: clinical testing. Allele origin: germline. Affected: yes. Observed: 1 variant allele.
Comment: KDM5B: PM2, BP5